The following is an entry in ClinVar:

NM_001148.6(ANK2):c.9389A>G (p.His3130Arg)

Gene: ANK2 (ankyrin 2; plus strand). Cytogenetic location: 4q26.
Variant type: single nucleotide variant.
Coding change: c.9389A>G on transcript NM_001148.6 (MANE Select); coding-DNA position 9389, A replaced by G.
Protein change: p.His3130Arg; replaces histidine 3130 with arginine.
Molecular consequence: missense variant. On other transcripts: intron variant (68).
Genome position (GRCh38, 1-based): chr4:113,358,007, A>G. VCF-style: chr4-113358007-A-G. GRCh37 (hg19) VCF-style: chr4-114279163-A-G.
Other names: c.9155A>G, p.His3052Arg (NM_001386142.1); c.5789A>G, p.His1930Arg (NM_001386166.1); c.9530A>G, p.His3177Arg (NM_001386174.1); c.9506A>G, p.His3169Arg (NM_001386175.1); c.4412-2816A>G (NM_001386186.2, NM_001386148.2); c.4214-2816A>G (NM_001354269.3); c.4292-2816A>G (NM_001386187.2); c.4253-2816A>G (NM_001386147.1); and 35 more; short protein forms H1930R, H3052R, H3130R, H3169R, H3177R.
Identifiers: ClinVar variation 1315810 (VCV001315810.2), dbSNP rs2095908124, ClinGen allele CA357937291.

ClinVar aggregate classification (germline): Uncertain significance (1 of 4 stars; one submission).

Allele frequency attached by ClinVar (database versions not stated): TOPMed below 0.00001.

Submission:

GeneDx
Classification: Uncertain significance. Last evaluated: 2019-10-21. Review status: criteria provided, single submitter. Criteria: GeneDx Variant Classification Process June 2021. Collection method: clinical testing. Allele origin: germline. Affected: yes.
Comment: Has not been previously published as pathogenic or benign to our knowledge; Not observed in large population cohorts (Lek et al., 2016); In silico analysis, which includes protein predictors and evolutionary conservation, supports a deleterious effect